The following is an entry in ClinVar:

ClinVar aggregate classification (germline): Likely pathogenic (1 of 4 stars; one submission).

Conditions:
Hereditary cancer-predisposing syndrome. Also called: Hereditary Cancer Syndrome; Hereditary neoplastic syndrome; Neoplastic Syndromes, Hereditary; Tumor predisposition. Identifiers: Orphanet 140162, MedGen C0027672, MeSH D009386, MONDO:0015356.

Allele frequency attached by ClinVar (database versions not stated): TOPMed below 0.00001.

Submission:

Ambry Genetics
Classification: Likely pathogenic for Hereditary cancer-predisposing syndrome. Last evaluated: 2026-08-10. Review status: criteria provided, single submitter. Criteria: Ambry Variant Classification Scheme 2023. Collection method: clinical testing. Allele origin: germline.
Comment: The c.4236+2dupT intronic variant, results from a duplication of one nucleotide at nucleotide position 4236+2 after intron 27 of the ATM gene. This nucleotide position is highly conserved in available vertebrate species. In silico splice site analysis predicts that this alteration will weaken the native splice donor site. RNA studies have demonstrated that this variant results in abnormal splicing in the set of samples tested (Ambry internal data). Variants that disrupt the canonical splice site are expected to cause aberrant splicing, resulting in an abnormal protein or a transcript that is subject to nonsense-mediated mRNA decay. As such, this variant is classified as likely pathogenic.

NM_000051.4(ATM):c.4236+2dup

Gene: ATM (ATM serine/threonine kinase; plus strand). Cytogenetic location: 11q22.3.
Variant type: Duplication.
Coding change: c.4236+2dup on transcript NM_000051.4 (MANE Select); the canonical splice donor site of the intron after coding-DNA position 4236, one base duplicated (T; older notation c.4236+2dupT).
Molecular consequence: splice donor variant.
Genome position (GRCh38, 1-based): chr11:108,289,105, T duplicated. VCF-style (leftmost placement, unchanged base first): chr11-108289104-G-GT. GRCh37 (hg19) VCF-style: chr11-108159831-G-GT.
Other names: c.4236+2dup (NM_001351834.2).
Identifiers: ClinVar variation 2568169 (VCV002568169.3), dbSNP rs1185729358, ClinGen allele CA671368910.